The following is an entry in ClinVar:

NM_033026.6(PCLO):c.1926G>T (p.Met642Ile)

Gene: PCLO (piccolo presynaptic cytomatrix protein; minus strand). Cytogenetic location: 7q21.11.
Variant type: single nucleotide variant.
Coding change: c.1926G>T on transcript NM_033026.6 (MANE Select); coding-DNA position 1926, G replaced by T.
Protein change: p.Met642Ile; replaces methionine 642 with isoleucine.
Molecular consequence: missense variant.
Genome position (GRCh38, 1-based): chr7:83,135,624, C>A on the plus strand (G>T on the coding strand, the complement: PCLO is on the minus strand). VCF-style: chr7-83135624-C-A. GRCh37 (hg19) VCF-style: chr7-82764940-C-A.
Other names: c.1926G>T (NM_033026.5); c.1926G>T, p.Met642Ile (NM_014510.3); short protein forms M642I.
Identifiers: ClinVar variation 500715 (VCV000500715.17), dbSNP rs373145608, ClinGen allele CA4321351.

ClinVar aggregate classification (germline): Uncertain significance. Review status: criteria provided, multiple submitters, no conflicts (2 of 4 stars). 5 submissions from 5 submitters: Uncertain significance (5). Last evaluated 2026-07-23.

Conditions:
Inborn genetic diseases. Identifiers: MedGen C0950123, MeSH D030342.

Allele frequency attached by ClinVar (database versions not stated): gnomAD exomes 0.00005 and 0.00010; gnomAD 0.00009; TOPMed 0.00009; ESP Exome Variant Server 0.00025.

Submissions (5):

GeneDx
Classification: Uncertain significance. Last evaluated: 2026-07-23. Review status: criteria provided, single submitter. Criteria: GeneDx Variant Classification Process June 2021. Collection method: clinical testing. Allele origin: germline.
Comment: In silico analysis supports that this missense variant has a deleterious effect on protein structure/function; Has not been previously published as pathogenic or benign to our knowledge

CeGaT Center for Human Genetics Tuebingen
Classification: Uncertain significance. Last evaluated: 2026-02-01. Review status: criteria provided, single submitter. Criteria: CeGaT Center For Human Genetics Tuebingen Variant Classification Criteria Version 2. Collection method: clinical testing. Allele origin: germline. Affected: yes. Observed: 2 variant alleles.
Comment: PCLO: PM2

Ambry Genetics
Classification: Uncertain significance for Inborn genetic diseases. Last evaluated: 2025-06-12. Review status: criteria provided, single submitter. Criteria: Ambry Variant Classification Scheme 2023. Collection method: clinical testing. Allele origin: germline.

Labcorp Genetics (formerly Invitae), Labcorp
Classification: Uncertain significance. Last evaluated: 2022-04-23. Review status: criteria provided, single submitter. Criteria: Invitae Variant Classification Sherloc (09022015). Collection method: clinical testing. Allele origin: germline.
Comment: This sequence change replaces methionine, which is neutral and non-polar, with isoleucine, which is neutral and non-polar, at codon 642 of the PCLO protein (p.Met642Ile). This variant is present in population databases (rs373145608, gnomAD 0.01%). This variant has not been reported in the literature in individuals affected with PCLO-related conditions. ClinVar contains an entry for this variant (Variation ID: 500715). Algorithms developed to predict the effect of missense changes on protein structure and function are either unavailable or do not agree on the potential impact of this missense change (SIFT: "Tolerated"; PolyPhen-2: "Not Available"; Align-GVGD: "Class C0"). In summary, the available evidence is currently insufficient to determine the role of this variant in disease. Therefore, it has been classified as a Variant of Uncertain Significance.

Eurofins Ntd Llc (ga)
Classification: Uncertain significance. Last evaluated: 2017-03-08. Review status: criteria provided, single submitter. Criteria: EGL Classification Definitions 2015. Collection method: clinical testing. Allele origin: germline. Observed: 1 variant allele, 1 heterozygote.